The following is an entry in ClinVar:

ClinVar aggregate classification (germline): Uncertain significance (1 of 4 stars; one submission).

Submission:

Labcorp Genetics (formerly Invitae), Labcorp
Classification: Uncertain significance. Last evaluated: 2024-07-31. Review status: criteria provided, single submitter. Criteria: Invitae Variant Classification Sherloc (09022015). Collection method: clinical testing. Allele origin: germline.
Comment: This sequence change falls in intron 4 of the TOP2B gene. It does not directly change the encoded amino acid sequence of the TOP2B protein. Information on the frequency of this variant in the gnomAD database is not available, as this variant may be reported differently in the database. This variant has not been reported in the literature in individuals affected with TOP2B-related conditions. Experimental studies and prediction algorithms are not available or were not evaluated, and the effect of this variant on mRNA splicing is currently unknown. In summary, the available evidence is currently insufficient to determine the role of this variant in disease. Therefore, it has been classified as a Variant of Uncertain Significance.

NM_001330700.2(TOP2B):c.396-13_396-12inv

Gene: TOP2B (DNA topoisomerase II beta; minus strand). Cytogenetic location: 3p24.2.
Variant type: Inversion.
Coding change: c.396-13_396-12inv on transcript NM_001330700.2 (MANE Select).
Molecular consequence: intron variant.
Genome position: GRCh38 VCF-style: chr3-25638322-AA-TT. GRCh37 (hg19) VCF-style: chr3-25679813-AA-TT.
Other names: c.381-13_381-12inv (NM_001068.3).
Identifiers: ClinVar variation 2972485 (VCV002972485.3), ClinGen allele CA2740094314.
Genomic context (GRCh38, chr3:25,638,322, plus strand): 5'-TACTGGAATGCCTTTCCCATTATTCCAAATGCTTATAATGTTAGATTCACTGTAAAAAAA[AA>TT]AAAAAAAAAAAAAAAAAAAAAAAAAAAAAGCAGAATTTAGAGCTTAAAATAGTAAAGATA-3'